The following is an entry in ClinVar:

ClinVar aggregate classification (germline): Likely benign. Review status: criteria provided, single submitter (1 of 4 stars). 2 submissions from 2 submitters: Likely benign (1). 1 of the submissions does not count toward it. Last evaluated 2026-01-21.

Conditions:
MYSM1-related disorder. Also called: MYSM1-related condition.

Allele frequency attached by ClinVar (database versions not stated): gnomAD exomes 0.00003; TOPMed 0.00003; ExAC 0.00004.
gnomAD v4.1: 136 of 1,576,666 alleles (0.0086%); highest among the groups gnomAD compares: Middle Eastern, 0.017%; no homozygotes.

Submissions (2):

Labcorp Genetics (formerly Invitae), Labcorp
Classification: Likely benign. Last evaluated: 2026-01-21. Review status: criteria provided, single submitter. Criteria: Invitae Variant Classification Sherloc (09022015). Collection method: clinical testing. Allele origin: germline.

PreventionGenetics, part of Exact Sciences
Classification: Likely benign for MYSM1-related condition. Last evaluated: 2019-06-25. Review status: no assertion criteria provided. Collection method: clinical testing. Allele origin: germline. Not counted in ClinVar's aggregate classification.
Comment: This variant is classified as likely benign based on ACMG/AMP sequence variant interpretation guidelines (Richards et al. 2015 PMID: 25741868, with internal and published modifications).

NM_001085487.3(MYSM1):c.298C>T (p.Leu100=)

Gene: MYSM1 (Myb like, SWIRM and MPN domains 1; minus strand). Cytogenetic location: 1p32.1.
Variant type: single nucleotide variant.
Coding change: c.298C>T on transcript NM_001085487.3 (MANE Select); coding-DNA position 298, C replaced by T.
Protein change: p.Leu100=; no amino-acid change (leucine 100 retained).
Molecular consequence: synonymous variant.
Genome position (GRCh38, 1-based): chr1:58,690,248, G>A on the plus strand (C>T on the coding strand, the complement: MYSM1 is on the minus strand). VCF-style: chr1-58690248-G-A. GRCh37 (hg19) VCF-style: chr1-59155920-G-A.
Identifiers: ClinVar variation 744651 (VCV000744651.9), dbSNP rs777618726, ClinGen allele CA878077.